The following is an entry in ClinVar:

ClinVar aggregate classification (germline): Uncertain significance (1 of 4 stars; one submission).

Submission:

Ambry Genetics
Classification: Uncertain significance. Last evaluated: 2024-09-09. Review status: criteria provided, single submitter. Criteria: Ambry Variant Classification Scheme 2023. Collection method: clinical testing. Allele origin: germline.
Comment: The p.S1339C variant (also known as c.4016C>G), located in coding exon 17 of the NPAT gene, results from a C to G substitution at nucleotide position 4016. The serine at codon 1339 is replaced by cysteine, an amino acid with dissimilar properties. This amino acid position is conserved. In addition, the in silico prediction for this alteration is inconclusive. Based on the available evidence, the clinical significance of this variant remains unclear.

NM_002519.3(NPAT):c.4016C>G (p.Ser1339Cys)

Gene: NPAT (nuclear protein, coactivator of histone transcription; minus strand). Cytogenetic location: 11q22.3.
Variant type: single nucleotide variant.
Coding change: c.4016C>G on transcript NM_002519.3 (MANE Select); coding-DNA position 4016, C replaced by G.
Protein change: p.Ser1339Cys; replaces serine 1339 with cysteine.
Molecular consequence: missense variant.
Genome position (GRCh38, 1-based): chr11:108,161,070, G>C on the plus strand (C>G on the coding strand, the complement: NPAT is on the minus strand). VCF-style: chr11-108161070-G-C. GRCh37 (hg19) VCF-style: chr11-108031797-G-C.
Other names: c.4037C>G, p.Ser1346Cys (NM_001321307.1); short protein forms S1339C, S1346C.
Identifiers: ClinVar variation 3407212 (VCV003407212.1).